The following is an entry in ClinVar:

NM_024408.4(NOTCH2):c.4931A>C (p.Asp1644Ala)

Gene: NOTCH2 (notch receptor 2; minus strand). Cytogenetic location: 1p12.
Variant type: single nucleotide variant.
Coding change: c.4931A>C on transcript NM_024408.4 (MANE Select); coding-DNA position 4931, A replaced by C.
Protein change: p.Asp1644Ala; replaces aspartic acid 1644 with alanine.
Molecular consequence: missense variant.
Genome position (GRCh38, 1-based): chr1:119,922,707, T>G on the plus strand (A>C on the coding strand, the complement: NOTCH2 is on the minus strand). VCF-style: chr1-119922707-T-G. GRCh37 (hg19) VCF-style: chr1-120465330-T-G.
Other names: short protein forms D1644A.
Identifiers: ClinVar variation 4990933 (VCV004990933.1).

ClinVar aggregate classification (germline): Uncertain significance (1 of 4 stars; one submission).

Conditions:
NOTCH2-related disorder. Also called: NOTCH2-related condition.

Submission:

PreventionGenetics, part of Exact Sciences
Classification: Uncertain significance for NOTCH2-related condition. Last evaluated: 2026-04-11. Review status: criteria provided, single submitter. Criteria: ACMG Guidelines, 2015. Collection method: clinical testing. Allele origin: germline.
Comment: The NOTCH2 c.4931A>C variant is predicted to result in the amino acid substitution p.Asp1644Ala. This variant was reported in two individuals with Alagille syndrome (Li et al. 2022. PubMed ID: 35567760). This variant is reported in 0.011% of alleles in individuals of East Asian descent in gnomAD. At this time, the clinical significance of this variant is uncertain due to the absence of conclusive functional and genetic evidence.